The following is an entry in ClinVar:

NM_005027.4(PIK3R2):c.1055T>G (p.Phe352Cys)

Gene: PIK3R2 (phosphoinositide-3-kinase regulatory subunit 2; plus strand). Cytogenetic location: 19p13.11.
Variant type: single nucleotide variant.
Coding change: c.1055T>G on transcript NM_005027.4 (MANE Select); coding-DNA position 1055, T replaced by G.
Protein change: p.Phe352Cys; replaces phenylalanine 352 with cysteine.
Molecular consequence: missense variant. On other transcripts: non-coding transcript variant (2).
Genome position (GRCh38, 1-based): chr19:18,162,452, T>G. VCF-style: chr19-18162452-T-G. GRCh37 (hg19) VCF-style: chr19-18273262-T-G.
Other names: short protein forms F352C.
Identifiers: ClinVar variation 3731068 (VCV003731068.2).

ClinVar aggregate classification (germline): Uncertain significance (1 of 4 stars; one submission).

Submission:

GeneDx
Classification: Uncertain significance. Last evaluated: 2025-03-12. Review status: criteria provided, single submitter. Criteria: GeneDx Variant Classification Process June 2021. Collection method: clinical testing. Allele origin: germline.
Comment: Not observed at significant frequency in large population cohorts (gnomAD); In silico analysis supports that this missense variant has a deleterious effect on protein structure/function; Has not been previously published as pathogenic or benign to our knowledge